The following is an entry in ClinVar:

ClinVar aggregate classification (germline): Uncertain significance (1 of 4 stars; one submission).

Conditions:
Autoimmune interstitial lung disease-arthritis syndrome. Also called: Autoinflammation and autoimmunity, systemic, with immune dysregulation. Identifiers: Orphanet 444092, MedGen C5975714, MONDO:0014629.

Allele frequency attached by ClinVar (database versions not stated): gnomAD exomes below 0.00001.
gnomAD v4.1: 1 of 1,607,516 alleles (0.000062%); highest among the groups gnomAD compares: Non-Finnish European, 0.000085%; no homozygotes.

Submission:

Labcorp Genetics (formerly Invitae), Labcorp
Classification: Uncertain significance for Autoimmune interstitial lung disease-arthritis syndrome. Last evaluated: 2022-04-09. Review status: criteria provided, single submitter. Criteria: Invitae Variant Classification Sherloc (09022015). Collection method: clinical testing. Allele origin: germline.
Comment: In summary, the available evidence is currently insufficient to determine the role of this variant in disease. Therefore, it has been classified as a Variant of Uncertain Significance. Advanced modeling of protein sequence and biophysical properties (such as structural, functional, and spatial information, amino acid conservation, physicochemical variation, residue mobility, and thermodynamic stability) performed at Invitae indicates that this missense variant is not expected to disrupt COPA protein function. This variant has not been reported in the literature in individuals affected with COPA-related conditions. This variant is not present in population databases (gnomAD no frequency). This sequence change replaces asparagine, which is neutral and polar, with serine, which is neutral and polar, at codon 135 of the COPA protein (p.Asn135Ser).

NM_004371.4(COPA):c.404A>G (p.Asn135Ser)

Gene: COPA (coat protein complex I subunit alpha; minus strand). Cytogenetic location: 1q23.2.
Variant type: single nucleotide variant.
Coding change: c.404A>G on transcript NM_004371.4 (MANE Select); coding-DNA position 404, A replaced by G.
Protein change: p.Asn135Ser; replaces asparagine 135 with serine.
Molecular consequence: missense variant.
Genome position (GRCh38, 1-based): chr1:160,332,540, T>C on the plus strand (A>G on the coding strand, the complement: COPA is on the minus strand). VCF-style: chr1-160332540-T-C. GRCh37 (hg19) VCF-style: chr1-160302330-T-C.
Other names: c.404A>G, p.Asn135Ser (NM_001098398.2); short protein forms N135S.
Identifiers: ClinVar variation 1897071 (VCV001897071.5), dbSNP rs1352741369, ClinGen allele CA343269768.